The following is an entry in ClinVar:

NM_001567.4(INPPL1):c.1114C>T (p.Arg372Cys)

Gene: INPPL1 (inositol polyphosphate phosphatase like 1; plus strand). Cytogenetic location: 11q13.4.
Variant type: single nucleotide variant.
Coding change: c.1114C>T on transcript NM_001567.4 (MANE Select); coding-DNA position 1114, C replaced by T.
Protein change: p.Arg372Cys; replaces arginine 372 with cysteine.
Molecular consequence: missense variant.
Genome position (GRCh38, 1-based): chr11:72,230,385, C>T. VCF-style: chr11-72230385-C-T. GRCh37 (hg19) VCF-style: chr11-71941429-C-T.
Other names: short protein forms R372C.
Identifiers: ClinVar variation 3529240 (VCV003529240.2).

ClinVar aggregate classification (germline): Uncertain significance. Review status: criteria provided, multiple submitters, no conflicts (2 of 4 stars). 2 submissions from 2 submitters: Uncertain significance (2). Last evaluated 2025-04-24.

Conditions:
Inborn genetic diseases. Identifiers: MedGen C0950123, MeSH D030342.

gnomAD v4.1: 16 of 1,614,000 alleles (0.00099%); highest among the groups gnomAD compares: Admixed American, 0.0067%; no homozygotes.

Submissions (2):

GeneDx
Classification: Uncertain significance. Last evaluated: 2025-04-24. Review status: criteria provided, single submitter. Criteria: GeneDx Variant Classification Process June 2021. Collection method: clinical testing. Allele origin: germline. Affected: yes.
Comment: In silico analysis supports that this missense variant has a deleterious effect on protein structure/function; Has not been previously published as pathogenic or benign to our knowledge

Ambry Genetics
Classification: Uncertain significance for Inborn genetic diseases. Last evaluated: 2024-11-15. Review status: criteria provided, single submitter. Criteria: Ambry Variant Classification Scheme 2023. Collection method: clinical testing. Allele origin: germline.